The following is an entry in ClinVar:

ClinVar aggregate classification (germline): Uncertain significance (1 of 4 stars; one submission).

gnomAD v4.1: 40 of 1,605,894 alleles (0.0025%); highest among the groups gnomAD compares: African/African-American, 0.004%; no homozygotes.

Submission:

Labcorp Genetics (formerly Invitae), Labcorp
Classification: Uncertain significance. Last evaluated: 2025-04-18. Review status: criteria provided, single submitter. Criteria: Invitae Variant Classification Sherloc (09022015). Collection method: clinical testing. Allele origin: germline.
Comment: This sequence change replaces proline, which is neutral and non-polar, with leucine, which is neutral and non-polar, at codon 248 of the IFT57 protein (p.Pro248Leu). This variant is present in population databases (rs752845506, gnomAD 0.003%). This variant has not been reported in the literature in individuals affected with IFT57-related conditions. ClinVar contains an entry for this variant (Variation ID: 3646361). An algorithm developed to predict the effect of missense changes on protein structure and function (PolyPhen-2) suggests that this variant is likely to be disruptive. In summary, the available evidence is currently insufficient to determine the role of this variant in disease. Therefore, it has been classified as a Variant of Uncertain Significance.

NM_018010.4(IFT57):c.743C>T (p.Pro248Leu)

Gene: IFT57 (intraflagellar transport 57; minus strand). Cytogenetic location: 3q13.12.
Variant type: single nucleotide variant.
Coding change: c.743C>T on transcript NM_018010.4 (MANE Select); coding-DNA position 743, C replaced by T.
Protein change: p.Pro248Leu; replaces proline 248 with leucine.
Molecular consequence: missense variant.
Genome position (GRCh38, 1-based): chr3:108,191,555, G>A on the plus strand (C>T on the coding strand, the complement: IFT57 is on the minus strand). VCF-style: chr3-108191555-G-A. GRCh37 (hg19) VCF-style: chr3-107910402-G-A.
Other names: short protein forms P248L.
Identifiers: ClinVar variation 3646361 (VCV003646361.2).